The following is an entry in ClinVar:

NM_007294.4(BRCA1):c.1795_1798del (p.Asn599fs)

Gene: BRCA1 (BRCA1 DNA repair associated; minus strand). Cytogenetic location: 17q21.31.
Variant type: Deletion.
Coding change: c.1795_1798del on transcript NM_007294.4 (MANE Select); coding-DNA positions 1795 to 1798, 4 bases deleted (AATA; older notation c.1795_1798delAATA).
Protein change: p.Asn599fs; shifts the reading frame from asparagine 599.
Molecular consequence: frameshift variant. On other transcripts: intron variant (137).
Genome position (GRCh38, 1-based): chr17:43,093,733-43,093,736, TATT deleted on the plus strand (AATA on the coding strand, the reverse complement: BRCA1 is on the minus strand); deleting any 4 consecutive bases within chr17:43,093,733-43,093,738 gives the same sequence; the c. name uses the placement nearest the transcript's 3' end. VCF-style (leftmost placement, unchanged base first): chr17-43093732-ATATT-A. GRCh37 (hg19) VCF-style: chr17-41245749-ATATT-A.
Other names: 1914del4; c.1795_1798delAATA (NM_007294.3); c.1582_1585del, p.Asn528fs (NM_001407571.1, NM_001407853.1, NM_001407894.1 and 9 more transcripts); c.1795_1798del, p.Asn599fs (NM_001407581.1, NM_001407582.1, NM_001407583.1 and 30 more transcripts); c.1792_1795del, p.Asn598fs (NM_001407587.1, NM_001407590.1, NM_001407591.1 and 22 more transcripts); c.1786_1789del, p.Asn596fs (NM_001407646.1, NM_001407647.1); c.1672_1675del, p.Asn558fs (NM_001407648.1, NM_001407664.1, NM_001407665.1 and 19 more transcripts); c.1669_1672del, p.Asn557fs (NM_001407649.1, NM_001407670.1, NM_001407671.1 and 11 more transcripts); and 43 more; short protein forms N552fs, N599fs, N303fs, N511fs, N531fs, N532fs, N471fs, N472fs.
Identifiers: ClinVar variation 266188 (VCV000266188.26), dbSNP rs886039968, ClinGen allele CA10589919.
Genomic context (GRCh38, chr17:43,093,732, plus strand): 5'-ATATGCCTGGTAGAAGACTTCCTCCTCAGCCTATTCTTTTTAGGTGCTTTTGAATTGTGG[ATATT>A]TAATTCGAGTTCCATATTGCTTATACTGCTGCTTATAGGTTCAGCTTTCGTTTTGAAAGC-3'

ClinVar aggregate classification (germline): Pathogenic. Review status: reviewed by expert panel (3 of 4 stars). 4 submissions from 4 submitters: Pathogenic (1). 3 of the submissions do not count toward it. Last evaluated 2016-10-18.

Conditions:
Hereditary cancer-predisposing syndrome. Also called: Hereditary Cancer Syndrome; Neoplastic Syndromes, Hereditary; Hereditary neoplastic syndrome; Tumor predisposition. Identifiers: Orphanet 140162, MedGen C0027672, MeSH D009386, MONDO:0015356.
Breast-ovarian cancer, familial, susceptibility to, 1 (BROVCA1). Also called: BRCA1 Hereditary Breast and Ovarian Cancer; OVARIAN CANCER, SUSCEPTIBILITY TO. Identifiers: Orphanet 145, MedGen C2676676, MONDO:0011450, OMIM 604370. Disease mechanism: loss of function.

Submissions (4):

Evidence-based Network for the Interpretation of Germline Mutant Alleles (ENIGMA)
Classification: Pathogenic for Breast-ovarian cancer, familial, susceptibility to, 1. Last evaluated: 2016-10-18. Review status: reviewed by expert panel. Criteria: ENIGMA BRCA1/2 Classification Criteria (2015). Collection method: curation. Allele origin: germline.
Comment: Variant allele predicted to encode a truncated non-functional protein.

Ambry Genetics
Classification: Pathogenic for Hereditary cancer-predisposing syndrome. Last evaluated: 2023-05-26. Review status: criteria provided, single submitter. Criteria: Ambry Variant Classification Scheme 2023. Collection method: clinical testing. Allele origin: germline. Not counted in ClinVar's aggregate classification.
Comment: The c.1795_1798delAATA pathogenic mutation, located in coding exon 9 of the BRCA1 gene, results from a deletion of 4 nucleotides at nucleotide positions 1795 to 1798, causing a translational frameshift with a predicted alternate stop codon (p.N599Sfs*12). This alteration was identified in a large, worldwide study of BRCA1/2 mutation positive families (Rebbeck TR et al. Hum Mutat, 2018 May;39:593-620). This variant is considered to be rare based on population cohorts in the Genome Aggregation Database (gnomAD). In addition to the clinical data presented in the literature, this alteration is expected to result in loss of function by premature protein truncation or nonsense-mediated mRNA decay. As such, this alteration is interpreted as a disease-causing mutation.

Consortium of Investigators of Modifiers of BRCA1/2 (CIMBA), c/o University of Cambridge
Classification: Pathogenic for Breast-ovarian cancer, familial, susceptibility to, 1. Last evaluated: 2015-10-02. Review status: criteria provided, single submitter. Criteria: CIMBA Mutation Classification guidelines May 2016. Collection method: clinical testing. Allele origin: germline. Not counted in ClinVar's aggregate classification.

BRCAlab, Lund University
Classification: Pathogenic for Breast-ovarian cancer, familial, susceptibility to, 1. Last evaluated: 2022-08-26. Review status: no assertion criteria provided. Collection method: clinical testing. Allele origin: germline. Affected: yes. Not counted in ClinVar's aggregate classification.

Literature cited by the submitters: PubMed 29446198 (cited by Ambry Genetics).